The following is an entry in ClinVar:

ClinVar aggregate classification (germline): Uncertain significance (1 of 4 stars; one submission).

Conditions:
Microcephaly, normal intelligence and immunodeficiency (NBS). Also called: Nijmegen breakage syndrome; Microcephaly with normal intelligence immunodeficiency and lymphoreticular malignancies; Nonsyndromal microcephaly autosomal recessive with normal intelligence; Seemanova syndrome 2; SEEMANOVA SYNDROME II; Ataxia telangiectasia variant V1. Identifiers: Orphanet 647, MedGen C0398791, MONDO:0009623, OMIM 251260.

gnomAD v4.1: 1 of 1,613,602 alleles (0.000062%); highest among the groups gnomAD compares: Non-Finnish European, 0.000085%; no homozygotes.

Submission:

Labcorp Genetics (formerly Invitae), Labcorp
Classification: Uncertain significance for Microcephaly, normal intelligence and immunodeficiency. Last evaluated: 2023-05-12. Review status: criteria provided, single submitter. Criteria: Invitae Variant Classification Sherloc (09022015). Collection method: clinical testing. Allele origin: germline.
Comment: In summary, the available evidence is currently insufficient to determine the role of this variant in disease. Therefore, it has been classified as a Variant of Uncertain Significance. Variants that disrupt the consensus splice site are a relatively common cause of aberrant splicing (PMID: 17576681, 9536098). Algorithms developed to predict the effect of sequence changes on RNA splicing suggest that this variant may disrupt the consensus splice site. An algorithm developed to predict the effect of missense changes on protein structure and function (PolyPhen-2) suggests that this variant is likely to be disruptive. This variant has not been reported in the literature in individuals affected with NBN-related conditions. This variant is not present in population databases (gnomAD no frequency). This sequence change replaces arginine, which is basic and polar, with threonine, which is neutral and polar, at codon 107 of the NBN protein (p.Arg107Thr). This variant also falls at the last nucleotide of exon 3, which is part of the consensus splice site for this exon.

Literature cited by the submitters: PubMed 17576681; PubMed 9536098.

NM_002485.5(NBN):c.320G>C (p.Arg107Thr)

Gene: NBN (nibrin; minus strand). Cytogenetic location: 8q21.3.
Variant type: single nucleotide variant.
Coding change: c.320G>C on transcript NM_002485.5 (MANE Select); coding-DNA position 320, G replaced by C.
Protein change: p.Arg107Thr; replaces arginine 107 with threonine.
Molecular consequence: missense variant.
Genome position (GRCh38, 1-based): chr8:89,981,375, C>G on the plus strand (G>C on the coding strand, the complement: NBN is on the minus strand). VCF-style: chr8-89981375-C-G. GRCh37 (hg19) VCF-style: chr8-90993603-C-G.
Other names: c.74G>C, p.Arg25Thr (NM_001024688.3); short protein forms R25T, R107T.
Identifiers: ClinVar variation 2798502 (VCV002798502.3), dbSNP rs1345924774, ClinGen allele CA371662244.
Genomic context (GRCh38, chr8:89,981,375, plus strand): 5'-CCTTTAGGATTTGGCTGAAACAAAGCTGTCCATTTTAAAATCAATTTTAAAATGTCTTAC[C>G]TGAATTTACTTCCAAACACTCCAAAAGTAATACCATCCCCCGACTTCAAAGTTCGGGAAA-3'
Protein context (NP_002476.2, residues 97-117): ITFGVFGSKF[Arg107Thr]IEYEPLVACS